The following is an entry in ClinVar:

ClinVar aggregate classification (germline): Uncertain significance (1 of 4 stars; one submission).

Conditions:
Primary ciliary dyskinesia 6. Also called: Primary Ciliary Dyskinesia 6: TXNDC3-Related Primary Ciliary Dyskinesia. Identifiers: Orphanet 244, MedGen C1970506, MONDO:0012571, OMIM 610852.

Allele frequency attached by ClinVar (database versions not stated): ExAC 0.00001.
gnomAD v4.1: 2 of 1,611,348 alleles (0.00012%); highest among the groups gnomAD compares: Non-Finnish European, 0.000085%; no homozygotes.

Submission:

Labcorp Genetics (formerly Invitae), Labcorp
Classification: Uncertain significance for Primary ciliary dyskinesia 6. Last evaluated: 2019-05-09. Review status: criteria provided, single submitter. Criteria: Invitae Variant Classification Sherloc (09022015). Collection method: clinical testing. Allele origin: germline.
Comment: In summary, the available evidence is currently insufficient to determine the role of this variant in disease. Therefore, it has been classified as a Variant of Uncertain Significance. Algorithms developed to predict the effect of missense changes on protein structure and function are either unavailable or do not agree on the potential impact of this missense change (SIFT: "Deleterious"; PolyPhen-2: "Probably Damaging"; Align-GVGD: "Class C0"). This variant has not been reported in the literature in individuals with NME8-related disease. This variant is present in population databases (rs771622383, ExAC 0.002%). This sequence change replaces cysteine with serine at codon 82 of the NME8 protein (p.Cys82Ser). The cysteine residue is highly conserved and there is a moderate physicochemical difference between cysteine and serine.

NM_016616.5(NME8):c.244T>A (p.Cys82Ser)

Gene: NME8 (NME/NM23 family member 8; plus strand). Cytogenetic location: 7p14.1.
Variant type: single nucleotide variant.
Coding change: c.244T>A on transcript NM_016616.5 (MANE Select); coding-DNA position 244, T replaced by A.
Protein change: p.Cys82Ser; replaces cysteine 82 with serine.
Molecular consequence: missense variant.
Genome position (GRCh38, 1-based): chr7:37,857,319, T>A. VCF-style: chr7-37857319-T-A. GRCh37 (hg19) VCF-style: chr7-37896921-T-A.
Other names: short protein forms C82S.
Identifiers: ClinVar variation 643950 (VCV000643950.10), dbSNP rs771622383, ClinGen allele CA4222106.